The following is an entry in ClinVar:

ClinVar aggregate classification (germline): Uncertain significance (1 of 4 stars; one submission).

gnomAD v4.1: 1 of 1,610,096 alleles (0.000062%); highest among the groups gnomAD compares: Non-Finnish European, 0.000085%; no homozygotes.

Submission:

GeneDx
Classification: Uncertain significance. Last evaluated: 2020-10-22. Review status: criteria provided, single submitter. Criteria: GeneDx Variant Classification Process June 2021. Collection method: clinical testing. Allele origin: germline. Affected: yes.
Comment: Not observed in large population cohorts (Lek et al., 2016); In silico analysis supports that this missense variant does not alter protein structure/function; Has not been previously published as pathogenic or benign to our knowledge

NM_000827.4(GRIA1):c.1172C>T (p.Ala391Val)

Gene: GRIA1 (glutamate ionotropic receptor AMPA type subunit 1; plus strand). Cytogenetic location: 5q33.2.
Variant type: single nucleotide variant.
Coding change: c.1172C>T on transcript NM_000827.4 (MANE Select); coding-DNA position 1172, C replaced by T.
Protein change: p.Ala391Val; replaces alanine 391 with valine.
Molecular consequence: missense variant. On other transcripts: non-coding transcript variant (2).
Genome position (GRCh38, 1-based): chr5:153,698,081, C>T. VCF-style: chr5-153698081-C-T. GRCh37 (hg19) VCF-style: chr5-153077641-C-T.
Other names: c.1172C>T, p.Ala391Val (NM_001114183.2); c.932C>T, p.Ala311Val (NM_001258019.2); c.887C>T, p.Ala296Val (NM_001258020.2); c.1202C>T, p.Ala401Val (NM_001258021.2, NM_001258022.2); c.965C>T, p.Ala322Val (NM_001258023.1, NM_001364167.2); c.1004C>T, p.Ala335Val (NM_001364165.2); c.1199C>T, p.Ala400Val (NM_001364166.2); short protein forms A296V, A311V, A322V, A335V, A391V, A400V, A401V.
Identifiers: ClinVar variation 1313239 (VCV001313239.2), dbSNP rs770450225, ClinGen allele CA361904652.
Genomic context (GRCh38, chr5:153,698,081, plus strand): 5'-CTCCACTCTCTTCTCATTAACAGATTGGTTACTGGAATGAAGATGATAAGTTTGTCCCTG[C>T]AGCCACCGATGCCCAAGCTGGGGGCGATAATTCAAGTGTTCAGAACAGAACATACATCGT-3'
Protein context (NP_000818.2, residues 381-401): YWNEDDKFVP[Ala391Val]ATDAQAGGDN